The following is an entry in ClinVar:

NM_020822.3(KCNT1):c.1687C>T (p.His563Tyr)

Gene: KCNT1 (potassium sodium-activated channel subfamily T member 1; plus strand). Cytogenetic location: 9q34.3.
Variant type: single nucleotide variant.
Coding change: c.1687C>T on transcript NM_020822.3 (MANE Select); coding-DNA position 1687, C replaced by T.
Protein change: p.His563Tyr; replaces histidine 563 with tyrosine.
Molecular consequence: missense variant.
Genome position (GRCh38, 1-based): chr9:135,770,365, C>T. VCF-style: chr9-135770365-C-T. GRCh37 (hg19) VCF-style: chr9-138662211-C-T.
Other names: c.1552C>T, p.His518Tyr (NM_001272003.2); short protein forms H563Y, H518Y.
Identifiers: ClinVar variation 834499 (VCV000834499.10), dbSNP rs1190253737, ClinGen allele CA375506479.

ClinVar aggregate classification (germline): Conflicting classifications of pathogenicity. Review status: criteria provided, conflicting classifications (1 of 4 stars). 3 submissions from 3 submitters: Uncertain significance (2); Likely benign (1). Last evaluated 2024-02-15.

Conditions:
Developmental and epileptic encephalopathy, 14 (DEE14). Also called: Early infantile epileptic encephalopathy 14. Identifiers: Orphanet 293181, MedGen C3554195, MONDO:0013989, OMIM 614959.
Autosomal dominant nocturnal frontal lobe epilepsy 5. Also called: CILIARY DYSKINESIA, PRIMARY, 28, WITH SITUS INVERSUS; CILIARY DYSKINESIA, PRIMARY, 28, WITHOUT SITUS INVERSUS; Epilepsy, nocturnal frontal lobe, 5; KCNT1-Related Epilepsy. Identifiers: Orphanet 98784, MedGen C3554306, MONDO:0014002, OMIM 615005.

Allele frequency attached by ClinVar (database versions not stated): gnomAD exomes below 0.00001.
gnomAD v4.1: 10 of 1,613,180 alleles (0.00062%); highest among the groups gnomAD compares: Non-Finnish European, 0.00085%; no homozygotes.

Submissions (3):

GeneDx
Classification: Uncertain significance. Last evaluated: 2024-02-15. Review status: criteria provided, single submitter. Criteria: GeneDx Variant Classification Process June 2021. Collection method: clinical testing. Allele origin: germline. Affected: yes.
Comment: In silico analysis supports that this missense variant has a deleterious effect on protein structure/function; Has not been previously published as pathogenic or benign to our knowledge

Labcorp Genetics (formerly Invitae), Labcorp
Classification: Likely benign for Autosomal dominant nocturnal frontal lobe epilepsy 5; Developmental and epileptic encephalopathy, 14. Last evaluated: 2023-08-24. Review status: criteria provided, single submitter. Criteria: Invitae Variant Classification Sherloc (09022015). Collection method: clinical testing. Allele origin: germline.

Blueprint Genetics
Classification: Uncertain significance. Last evaluated: 2023-07-14. Review status: criteria provided, single submitter. Criteria: ACMG Guidelines, 2015. Collection method: clinical testing. Allele origin: germline.